The following is an entry in ClinVar:

NM_001386140.1(MTTP):c.2055delinsAGGCA (p.Asn685fs)

Gene: MTTP (microsomal triglyceride transfer protein; plus strand). Cytogenetic location: 4q23.
Variant type: Indel.
Coding change: c.2055delinsAGGCA on transcript NM_001386140.1 (MANE Select); coding-DNA position 2055, C replaced by AGGCA.
Protein change: p.Asn685fs; shifts the reading frame from asparagine 685.
Molecular consequence: frameshift variant.
Genome position (GRCh38, 1-based): chr4:99,612,978, C replaced by AGGCA. VCF-style: chr4-99612978-C-AGGCA. GRCh37 (hg19) VCF-style: chr4-100534135-C-AGGCA.
Other names: c.2055delinsAGGCA, p.Asn685fs (NM_000253.4); c.1806delinsAGGCA, p.Asn602fs (NM_001300785.2); short protein forms N602fs, N685fs.
Identifiers: ClinVar variation 1724636 (VCV001724636.2), dbSNP rs2476149064, ClinGen allele CA2580071922.

ClinVar aggregate classification (germline): Likely pathogenic (1 of 4 stars; one submission).

Conditions:
Abetalipoproteinaemia (ABL). Also called: Abetalipoproteinemia; Abetalipoproteinemia neuropathy; Apolipoprotein B deficiency; Congenital betalipoprotein deficiency syndrome; MTP DEFICIENCY. Identifiers: Orphanet 14, MedGen C0000744, MONDO:0008692, OMIM 200100, HP:0008181.

Submission:

Myriad Genetics, Inc.
Classification: Likely pathogenic for Abetalipoproteinaemia. Last evaluated: 2022-02-24. Review status: criteria provided, single submitter. Criteria: Myriad Women's Health Autosomal Recessive and X-Linked Classification Criteria (2021). Collection method: clinical testing. Allele origin: unknown.
Comment: NM_000253.2(MTTP):c.2055del1ins5(N685Kfs*4) is expected to be pathogenic in the context of abetalipoproteinemia. This variant is predicted to lead to an abnormal or absent protein product due to the creation of a premature termination codon in MTTP, a gene where loss-of-function variants are known to be pathogenic. Please note: this variant was assessed in the context of healthy population screening.